The following is an entry in ClinVar:

NM_001322934.2(NFKB2):c.364G>A (p.Val122Ile)

Gene: NFKB2 (nuclear factor kappa B subunit 2; plus strand). Cytogenetic location: 10q24.32.
Variant type: single nucleotide variant.
Coding change: c.364G>A on transcript NM_001322934.2 (MANE Select); coding-DNA position 364, G replaced by A.
Protein change: p.Val122Ile; replaces valine 122 with isoleucine.
Molecular consequence: missense variant.
Genome position (GRCh38, 1-based): chr10:102,397,024, G>A. VCF-style: chr10-102397024-G-A. GRCh37 (hg19) VCF-style: chr10-104156781-G-A.
Other names: c.364G>A, p.Val122Ile (NM_001077493.1, NM_001077494.3, NM_001261403.3 and 3 more transcripts); short protein forms V122I.
Identifiers: ClinVar variation 2741421 (VCV002741421.3), dbSNP rs1335608284, ClinGen allele CA377896522.

ClinVar aggregate classification (germline): Uncertain significance (1 of 4 stars; one submission).

Conditions:
Immunodeficiency, common variable, 10. Also called: IMMUNODEFICIENCY, COMMON VARIABLE, WITH CENTRAL ADRENAL INSUFFICIENCY; DEFICIT IN ANTERIOR PITUITARY FUNCTION AND VARIABLE IMMUNODEFICIENCY. Identifiers: MedGen C3809991, MONDO:0014260, OMIM 615577.

Allele frequency attached by ClinVar (database versions not stated): gnomAD exomes below 0.00001; TOPMed below 0.00001; gnomAD 0.00002.
gnomAD v4.1: 11 of 1,613,224 alleles (0.00068%); highest among the groups gnomAD compares: East Asian, 0.0022%; no homozygotes.

Submission:

Labcorp Genetics (formerly Invitae), Labcorp
Classification: Uncertain significance for Immunodeficiency, common variable, 10. Last evaluated: 2025-07-06. Review status: criteria provided, single submitter. Criteria: Invitae Variant Classification Sherloc (09022015). Collection method: clinical testing. Allele origin: germline.
Comment: This sequence change replaces valine, which is neutral and non-polar, with isoleucine, which is neutral and non-polar, at codon 122 of the NFKB2 protein (p.Val122Ile). This variant is not present in population databases (gnomAD no frequency). This variant has not been reported in the literature in individuals affected with NFKB2-related conditions. ClinVar contains an entry for this variant (Variation ID: 2741421). An algorithm developed to predict the effect of missense changes on protein structure and function (PolyPhen-2) suggests that this variant is likely to be tolerated. In summary, the available evidence is currently insufficient to determine the role of this variant in disease. Therefore, it has been classified as a Variant of Uncertain Significance.